The following is an entry in ClinVar:

NM_002972.4(SBF1):c.3340G>A (p.Asp1114Asn)

Gene: SBF1 (SET binding factor 1; minus strand). Cytogenetic location: 22q13.33.
Variant type: single nucleotide variant.
Coding change: c.3340G>A on transcript NM_002972.4 (MANE Select); coding-DNA position 3340, G replaced by A.
Protein change: p.Asp1114Asn; replaces aspartic acid 1114 with asparagine.
Molecular consequence: missense variant.
Genome position (GRCh38, 1-based): chr22:50,460,103, C>T on the plus strand (G>A on the coding strand, the complement: SBF1 is on the minus strand). VCF-style: chr22-50460103-C-T. GRCh37 (hg19) VCF-style: chr22-50898532-C-T.
Other names: c.3343G>A, p.Asp1115Asn (NM_001365819.1); short protein forms D1114N, D1115N.
Identifiers: ClinVar variation 1431740 (VCV001431740.6), dbSNP rs369626870, ClinGen allele CA10316750.

ClinVar aggregate classification (germline): Uncertain significance (1 of 4 stars; one submission).

Allele frequency attached by ClinVar (database versions not stated): ExAC 0.00001; gnomAD exomes 0.00001; TOPMed 0.00007; ESP Exome Variant Server 0.00008; gnomAD 0.00009.
gnomAD v4.1: 41 of 1,613,462 alleles (0.0025%); highest among the groups gnomAD compares: Admixed American, 0.0067%; no homozygotes.

Submission:

Labcorp Genetics (formerly Invitae), Labcorp
Classification: Uncertain significance. Last evaluated: 2024-10-16. Review status: criteria provided, single submitter. Criteria: Invitae Variant Classification Sherloc (09022015). Collection method: clinical testing. Allele origin: germline.
Comment: This sequence change replaces aspartic acid, which is acidic and polar, with asparagine, which is neutral and polar, at codon 1114 of the SBF1 protein (p.Asp1114Asn). This variant is present in population databases (rs369626870, gnomAD 0.004%). This variant has not been reported in the literature in individuals affected with SBF1-related conditions. ClinVar contains an entry for this variant (Variation ID: 1431740). Invitae Evidence Modeling of protein sequence and biophysical properties (such as structural, functional, and spatial information, amino acid conservation, physicochemical variation, residue mobility, and thermodynamic stability) indicates that this missense variant is not expected to disrupt SBF1 protein function with a negative predictive value of 80%. In summary, the available evidence is currently insufficient to determine the role of this variant in disease. Therefore, it has been classified as a Variant of Uncertain Significance.